The following is an entry in ClinVar:

NM_004727.3(SLC24A1):c.1271C>A (p.Pro424His)

Gene: SLC24A1 (solute carrier family 24 member 1; plus strand). Cytogenetic location: 15q22.31.
Variant type: single nucleotide variant.
Coding change: c.1271C>A on transcript NM_004727.3 (MANE Select); coding-DNA position 1271, C replaced by A.
Protein change: p.Pro424His; replaces proline 424 with histidine.
Molecular consequence: missense variant.
Genome position (GRCh38, 1-based): chr15:65,625,351, C>A. VCF-style: chr15-65625351-C-A. GRCh37 (hg19) VCF-style: chr15-65917689-C-A.
Other names: c.1271C>A, p.Pro424His (NM_001301031.1, NM_001301032.1, NM_001301033.2); short protein forms P424H.
Identifiers: ClinVar variation 885436 (VCV000885436.12), dbSNP rs919442711, ClinGen allele CA271588555.
Genomic context (GRCh38, chr15:65,625,351, plus strand): 5'-TCACCACTCCCTCCCCAAGCCTCACAACAGCCCTGCTCCCAGAGGAGCTCAGTCCTAGTC[C>A]CTCAGTGCTGCCTCCCAGCTTGCCAGACCTCCACCCCAAGGGAGAGTACCCCCCAGATCT-3'
Protein context (NP_004718.1, residues 414-434): ALLPEELSPS[Pro424His]SVLPPSLPDL

ClinVar aggregate classification (germline): Uncertain significance. Review status: criteria provided, multiple submitters, no conflicts (2 of 4 stars). 2 submissions from 2 submitters: Uncertain significance (2). Last evaluated 2021-02-08.

Conditions:
Congenital stationary night blindness 1D. Also called: Night blindness, congenital stationary (complete), 1D, autosomal recessive. Identifiers: Orphanet 215, MedGen C3151193, MONDO:0013450, OMIM 613830.

Allele frequency attached by ClinVar (database versions not stated): gnomAD exomes below 0.00001 and 0.00001.
gnomAD v4.1: 7 of 1,614,034 alleles (0.00043%); highest among the groups gnomAD compares: South Asian, 0.0066%; no homozygotes.

Submissions (2):

Labcorp Genetics (formerly Invitae), Labcorp
Classification: Uncertain significance. Last evaluated: 2021-02-08. Review status: criteria provided, single submitter. Criteria: Invitae Variant Classification Sherloc (09022015). Collection method: clinical testing. Allele origin: germline.
Comment: In summary, the available evidence is currently insufficient to determine the role of this variant in disease. Therefore, it has been classified as a Variant of Uncertain Significance. Algorithms developed to predict the effect of missense changes on protein structure and function are either unavailable or do not agree on the potential impact of this missense change (SIFT: "Tolerated"; PolyPhen-2: "Probably Damaging"; Align-GVGD: "Class C0"). This variant has not been reported in the literature in individuals with SLC24A1-related conditions. ClinVar contains an entry for this variant (Variation ID: 885436). This variant is not present in population databases (ExAC no frequency). This sequence change replaces proline with histidine at codon 424 of the SLC24A1 protein (p.Pro424His). The proline residue is weakly conserved and there is a moderate physicochemical difference between proline and histidine.

Illumina Laboratory Services, Illumina
Classification: Uncertain significance for Congenital stationary night blindness 1D. Last evaluated: 2018-01-12. Review status: criteria provided, single submitter. Criteria: ICSL Variant Classification Criteria 13 December 2019. Collection method: clinical testing. Allele origin: germline.